The following is an entry in ClinVar:

ClinVar aggregate classification (germline): Pathogenic (1 of 4 stars; one submission).

Conditions:
Hereditary cancer-predisposing syndrome. Also called: Hereditary Cancer Syndrome; Hereditary neoplastic syndrome; Neoplastic Syndromes, Hereditary; Tumor predisposition. Identifiers: Orphanet 140162, MedGen C0027672, MeSH D009386, MONDO:0015356.

Submission:

Ambry Genetics
Classification: Pathogenic for Hereditary cancer-predisposing syndrome. Last evaluated: 2019-11-06. Review status: criteria provided, single submitter. Criteria: Ambry Autosomal Dominant and X-Linked criteria (3/2017). Collection method: clinical testing. Allele origin: germline. Observed: 1 variant allele.
Comment: The EX10dup gross duplication spans coding exon 10 in the BARD1 gene; however, the exact breakpoints of the duplication were not determined. This duplication has been confirmed in tandem in at least one proband and is predicted to result in a translational frameshift with an alternate stop codon (Ambry internal data). This alteration is expected to result in loss of function by premature protein truncation or a transcript that is subject to nonsense-mediated mRNA decay. As such, this alteration is interpreted as a disease-causing mutation.

NM_000465.2:c.(1903+1_1904-1)_(2001+1_2002-1)dup

Gene: BARD1 (BRCA1 associated RING domain 1; minus strand).
Variant type: Duplication.
Identifiers: ClinVar variation 1065537 (VCV001065537.2).